The following is an entry in ClinVar:

NM_000390.4(CHM):c.877C>T (p.Arg293Ter)

Gene: CHM (CHM Rab escort protein; minus strand). Cytogenetic location: Xq21.2.
Variant type: single nucleotide variant.
Coding change: c.877C>T on transcript NM_000390.4 (MANE Select); coding-DNA position 877, C replaced by T.
Protein change: p.Arg293Ter; replaces arginine 293 with a stop codon.
Molecular consequence: nonsense.
Genome position (GRCh38, 1-based): chrX:85,957,918, G>A on the plus strand (C>T on the coding strand, the complement: CHM is on the minus strand). VCF-style: chrX-85957918-G-A. GRCh37 (hg19) VCF-style: chrX-85212923-G-A.
Other names: R294*; NP_000381.1:p.(Arg293Ter); c.433C>T, p.Arg145Ter (NM_001320959.1, NM_001362517.1, NM_001362518.2 and 1 more transcripts); short protein forms R293*, R145*.
Identifiers: ClinVar variation 11154 (VCV000011154.59), dbSNP rs132630266, ClinGen allele CA220700.
Genomic context (GRCh38, chrX:85,957,918, plus strand): 5'-TATATTCATCAGGATATTTCTCATATTCCATACAAAATGTAAGAAATTTCATTAGCATTC[G>A]CTTTTCTACCATAGTAAGTTGTTTGCTATTAAAGACATCTGCTCTGGAACACGGAACCTG-3'

ClinVar aggregate classification (germline): Pathogenic. Review status: criteria provided, multiple submitters, no conflicts (2 of 4 stars). 11 submissions from 11 submitters: Pathogenic (8). 3 of the submissions do not count toward it. Last evaluated 2025-11-10.

Conditions:
CHM-related disorders.
Retinal dystrophy. Also called: Inherited retinal dystrophy. Identifiers: Orphanet 71862, MedGen C0854723, MeSH D058499, MONDO:0019118, HP:0000556.
Choroideremia. Also called: Chorioretinal scalloped atrophy. Identifiers: Orphanet 180, MedGen C0008525, MONDO:0010557, OMIM 303100, HP:0001139.

Allele frequency attached by ClinVar (database versions not stated): gnomAD exomes below 0.00001.
gnomAD v4.1: 1 of 1,209,778 alleles (0.000083%); highest among the groups gnomAD compares: Non-Finnish European, 0.00011%; no homozygotes.

Submissions (13):

Labcorp Genetics (formerly Invitae), Labcorp
Classification: Pathogenic. Last evaluated: 2025-11-10. Review status: criteria provided, single submitter. Criteria: Invitae Variant Classification Sherloc (09022015). Collection method: clinical testing. Allele origin: germline.
Comment: This sequence change creates a premature translational stop signal (p.Arg293*) in the CHM gene. It is expected to result in an absent or disrupted protein product. Loss-of-function variants in CHM are known to be pathogenic (PMID: 9067750, 23811034). This variant is not present in population databases (gnomAD no frequency). This premature translational stop signal has been observed in individual(s) with choroidemia (PMID: 26133251, 28559085). ClinVar contains an entry for this variant (Variation ID: 11154). Algorithms developed to predict the effect of sequence changes on RNA splicing suggest that this variant may disrupt the consensus splice site. For these reasons, this variant has been classified as Pathogenic.

North West Genomic Laboratory Hub, Manchester University NHS Foundation Trust
Classification: Pathogenic for Choroideremia. Last evaluated: 2025-09-08. Review status: criteria provided, single submitter. Criteria: ACGS Best Practice Guidelines for Variant Classification in Rare Disease 2020. Collection method: clinical testing. Allele origin: germline. Affected: yes.
Comment: PM2_Mod PS4_Mod PVS1_VStr

GeneDx
Classification: Pathogenic. Last evaluated: 2025-08-18. Review status: criteria provided, single submitter. Criteria: GeneDx Variant Classification Process June 2021. Collection method: clinical testing. Allele origin: germline. Affected: yes.
Comment: Nonsense variant predicted to result in protein truncation or nonsense mediated decay in a gene for which loss of function is a known mechanism of disease; Not observed at significant frequency in large population cohorts (gnomAD); This variant is associated with the following publications: (PMID: 36460718, 36087940, 36909829, 33749171, 25525159, 26133251, 7981671, 28559085, 30689859, 38219857, 31054281, 31922496, 31456290, 36729443, 30297895, 25912515, 33090715, 27070432, 32531858)

Ophthalmic Genetics Group, Institute of Molecular and Clinical Ophthalmology Basel
Classification: Pathogenic for Choroideremia. Last evaluated: 2023-07-24. Review status: criteria provided, single submitter. Criteria: ACMG Guidelines, 2015. Collection method: research. Allele origin: germline. Affected: yes. Observed: 1 variant allele.
Comment: Clinical significance based on ACMG v2.0

This variant was classified as Pathogenic based on ACMG criteria: PVS1, PM2, PP5.

Blueprint Genetics
Classification: Pathogenic for CHM-related disorders. Last evaluated: 2023-03-31. Review status: criteria provided, single submitter. Criteria: ACMG Guidelines, 2015. Collection method: clinical testing. Allele origin: germline. Affected: yes. Observed: 5 variant alleles.

Institute of Human Genetics, Univ. Regensburg, Univ. Regensburg
Classification: Pathogenic for Retinal dystrophy. Last evaluated: 2023-01-01. Review status: criteria provided, single submitter. Criteria: ACMG Guidelines, 2015. Collection method: clinical testing. Allele origin: germline. Affected: yes.

CeGaT Center for Human Genetics Tuebingen
Classification: Pathogenic. Last evaluated: 2017-08-01. Review status: criteria provided, single submitter. Criteria: CeGaT Center For Human Genetics Tuebingen Variant Classification Criteria Version 2. Collection method: clinical testing. Allele origin: germline. Affected: yes. Observed: 1 variant allele.

Eurofins Ntd Llc (ga)
Classification: Pathogenic. Last evaluated: 2013-10-29. Review status: criteria provided, single submitter. Criteria: EGL Classification Definitions 2015. Collection method: clinical testing. Allele origin: germline. Observed: 1 variant allele, 1 heterozygote.

Sharon lab, Hadassah-Hebrew University Medical Center
Classification: Pathogenic for Choroideremia. Last evaluated: 2019-06-23. Review status: no assertion criteria provided. Collection method: research. Allele origin: inherited. Affected: yes. Not counted in ClinVar's aggregate classification.

OMIM
Classification: Pathogenic for CHOROIDEREMIA. Last evaluated: 1994-07-01. Review status: no assertion criteria provided. Collection method: literature only. Allele origin: germline. Not counted in ClinVar's aggregate classification.

Dr. Peter K. Rogan Lab, Western University
No classification provided (evidence only). Condition: Thyroid cancer, nonmedullary, 1. Review status: no classification provided. Collection method: in vitro. Allele origin: not applicable. Functional consequence: retained intron. Not counted in ClinVar's aggregate classification.

Dr. Peter K. Rogan Lab, Western University
No classification provided (evidence only). Condition: Thyroid cancer, nonmedullary, 1. Review status: no classification provided. Collection method: in vitro. Allele origin: not applicable. Functional consequence: retained intron. Not counted in ClinVar's aggregate classification.

GeneReviews
No classification provided. Condition: Choroideremia. Review status: no classification provided. Collection method: literature only. Allele origin: germline. Not counted in ClinVar's aggregate classification.

Literature cited by the submitters: PubMed 9067750 (cited by Labcorp Genetics (formerly Invitae), Labcorp); PubMed 23811034 (cited by Labcorp Genetics (formerly Invitae), Labcorp); PubMed 26133251 (cited by Labcorp Genetics (formerly Invitae), Labcorp and Institute of Human Genetics, Univ. Regensburg, Univ. Regensburg); PubMed 28559085 (cited by Labcorp Genetics (formerly Invitae), Labcorp and Institute of Human Genetics, Univ. Regensburg, Univ. Regensburg); PubMed 36909829 (cited by Ophthalmic Genetics Group, Institute of Molecular and Clinical Ophthalmology Basel); PubMed 7981671 (cited by Institute of Human Genetics, Univ. Regensburg, Univ. Regensburg); PubMed 25525159 (cited by Institute of Human Genetics, Univ. Regensburg, Univ. Regensburg); PubMed 30297895 (cited by Institute of Human Genetics, Univ. Regensburg, Univ. Regensburg); PubMed 31054281 (cited by Institute of Human Genetics, Univ. Regensburg, Univ. Regensburg); PubMed 30689859 (cited by Institute of Human Genetics, Univ. Regensburg, Univ. Regensburg); PubMed 31922496 (cited by Institute of Human Genetics, Univ. Regensburg, Univ. Regensburg); PubMed 33090715 (cited by Institute of Human Genetics, Univ. Regensburg, Univ. Regensburg); PubMed 31456290 (cited by Institute of Human Genetics, Univ. Regensburg, Univ. Regensburg); PubMed 32531858 (cited by Institute of Human Genetics, Univ. Regensburg, Univ. Regensburg); PubMed 33749171 (cited by Institute of Human Genetics, Univ. Regensburg, Univ. Regensburg); PubMed 36460718 (cited by Institute of Human Genetics, Univ. Regensburg, Univ. Regensburg); PubMed 12827496 (cited by Eurofins Ntd Llc (ga)); PubMed 21905166 (cited by Eurofins Ntd Llc (ga)); PubMed 7981670 (cited by OMIM and GeneReviews).